The following is an entry in ClinVar:

ClinVar aggregate classification (germline): Conflicting classifications of pathogenicity. Review status: criteria provided, conflicting classifications (1 of 4 stars). 3 submissions from 3 submitters: Uncertain significance (2); Likely benign (1). Last evaluated 2026-01-11.

Conditions:
Spastic paraplegia. Identifiers: MedGen C0037772, HP:0001258.

Allele frequency attached by ClinVar (database versions not stated): gnomAD exomes 0.00001; TOPMed 0.00001.
gnomAD v4.1: 52 of 1,210,397 alleles (0.0043%); highest among the groups gnomAD compares: Non-Finnish European, 0.0055%; no homozygotes.

Submissions (3):

Labcorp Genetics (formerly Invitae), Labcorp
Classification: Likely benign for Spastic paraplegia. Last evaluated: 2026-01-11. Review status: criteria provided, single submitter. Criteria: Invitae Variant Classification Sherloc (09022015). Collection method: clinical testing. Allele origin: germline.

ARUP Laboratories, Molecular Genetics and Genomics, ARUP Laboratories
Classification: Uncertain significance. Last evaluated: 2021-08-15. Review status: criteria provided, single submitter. Criteria: ARUP Molecular Germline Variant Investigation Process 2021. Collection method: clinical testing. Allele origin: germline.
Comment: The c.726G>T variant, to our knowledge, has not been reported in the medical literature or gene specific databases. This is a synonymous variant in a moderately conserved nucleotide, and computational analyses (Alamut v.2.11) predict that this variant may impact splicing by strengthening a cryptic acceptor site in exon 7. However, based on the available information, the clinical significance of this variant is uncertain. References: Fransen E et al. L1-associated diseases: clinical geneticists divide, molecular geneticists unite. Hum Mol Genet. 1997;6(10):1625-32. PMID: 9300653.

GeneDx
Classification: Uncertain significance. Last evaluated: 2021-02-03. Review status: criteria provided, single submitter. Criteria: GeneDx Variant Classification Process June 2021. Collection method: clinical testing. Allele origin: germline. Affected: yes.
Comment: In silico analysis, which includes splice predictors and evolutionary conservation, supports that this variant does not alter protein structure/function; Has not been previously published as pathogenic or benign to our knowledge

NM_001278116.2(L1CAM):c.726G>T (p.Leu242=)

Gene: L1CAM (L1 cell adhesion molecule; minus strand). Cytogenetic location: Xq28.
Variant type: single nucleotide variant.
Coding change: c.726G>T on transcript NM_001278116.2 (MANE Select); coding-DNA position 726, G replaced by T.
Protein change: p.Leu242=; no amino-acid change (leucine 242 retained).
Molecular consequence: synonymous variant.
Genome position (GRCh38, 1-based): chrX:153,870,468, C>A on the plus strand (G>T on the coding strand, the complement: L1CAM is on the minus strand). VCF-style: chrX-153870468-C-A. GRCh37 (hg19) VCF-style: chrX-153135923-C-A.
Other names: c.726G>T, p.Leu242= (NM_000425.5, NM_024003.3); c.711G>T, p.Leu237= (NM_001143963.2).
Identifiers: ClinVar variation 1195709 (VCV001195709.14), dbSNP rs200813995, ClinGen allele CA10554517.